The following is an entry in ClinVar:

ClinVar aggregate classification (germline): Benign/Likely benign. Review status: criteria provided, multiple submitters, no conflicts (2 of 4 stars). 5 submissions from 5 submitters: Benign (1); Likely benign (3). 1 of the submissions does not count toward it. Last evaluated 2023-04-15.

Conditions:
NF1-related disorder. Also called: NF1-related condition. Identifiers: MedGen CN379171.
Neurofibromatosis, type 1 (NF1). Also called: VON RECKLINGHAUSEN DISEASE; NEUROFIBROMATOSIS, TYPE I, SOMATIC; Peripheral type neurofibromatosis; Neurofibromatosis, type I. Identifiers: Orphanet 636, MedGen C0027831, MONDO:0018975, OMIM 162200. Disease mechanism: loss of function.
Hereditary cancer-predisposing syndrome. Also called: Neoplastic Syndromes, Hereditary; Tumor predisposition; Hereditary neoplastic syndrome; Hereditary Cancer Syndrome. Identifiers: Orphanet 140162, MedGen C0027672, MeSH D009386, MONDO:0015356.
Cardiovascular phenotype. Identifiers: MedGen CN230736.

Submissions (5):

Labcorp Genetics (formerly Invitae), Labcorp
Classification: Likely benign for Neurofibromatosis, type 1. Last evaluated: 2023-04-15. Review status: criteria provided, single submitter. Criteria: Invitae Variant Classification Sherloc (09022015). Collection method: clinical testing. Allele origin: germline.

Genome-Nilou Lab
Classification: Benign for Neurofibromatosis, type 1. Last evaluated: 2022-03-15. Review status: criteria provided, single submitter. Criteria: ACMG Guidelines, 2015. Collection method: clinical testing. Allele origin: germline. Affected: no.

Ambry Genetics
Classification: Likely benign for Cardiovascular phenotype; Hereditary cancer-predisposing syndrome. Last evaluated: 2021-11-22. Review status: criteria provided, single submitter. Criteria: Ambry Variant Classification Scheme 2023. Collection method: clinical testing. Allele origin: germline.

Sema4
Classification: Likely benign for Hereditary cancer-predisposing syndrome. Last evaluated: 2021-09-15. Review status: criteria provided, single submitter. Criteria: Sema4 Curation Guidelines. Collection method: curation. Allele origin: germline.

PreventionGenetics, part of Exact Sciences
Classification: Likely benign for NF1-related condition. Last evaluated: 2022-05-31. Review status: no assertion criteria provided. Collection method: clinical testing. Allele origin: germline. Not counted in ClinVar's aggregate classification.
Comment: This variant is classified as likely benign based on ACMG/AMP sequence variant interpretation guidelines (Richards et al. 2015 PMID: 25741868, with internal and published modifications).

NM_001042492.3(NF1):c.5040T>C (p.Tyr1680=)

Gene: NF1 (neurofibromin 1; plus strand). Cytogenetic location: 17q11.2.
Variant type: single nucleotide variant.
Coding change: c.5040T>C on transcript NM_001042492.3 (MANE Select); coding-DNA position 5040, T replaced by C.
Protein change: p.Tyr1680=; no amino-acid change (tyrosine 1680 retained).
Molecular consequence: synonymous variant.
Genome position (GRCh38, 1-based): chr17:31,326,024, T>C. VCF-style: chr17-31326024-T-C. GRCh37 (hg19) VCF-style: chr17-29653042-T-C.
Other names: c.4977T>C, p.Tyr1659= (NM_000267.4).
Identifiers: ClinVar variation 527643 (VCV000527643.13), dbSNP rs1555533351, ClinGen allele CA499233035.